The following is an entry in ClinVar:

NM_001283009.2(RTEL1):c.2335T>C (p.Ser779Pro)

Genes: RTEL1 (regulator of telomere elongation helicase 1; plus strand), RTEL1-TNFRSF6B (RTEL1-TNFRSF6B readthrough (NMD candidate); plus strand). Cytogenetic location: 20q13.33.
Variant type: single nucleotide variant.
Coding change: c.2335T>C on transcript NM_001283009.2 (MANE Select); coding-DNA position 2335, T replaced by C.
Protein change: p.Ser779Pro; replaces serine 779 with proline.
Molecular consequence: missense variant. On other transcripts: non-coding transcript variant (1).
Genome position (GRCh38, 1-based): chr20:63,690,363, T>C. VCF-style: chr20-63690363-T-C. GRCh37 (hg19) VCF-style: chr20-62321716-T-C.
Other names: c.1666T>C, p.Ser556Pro (NM_001283010.1); c.2335T>C, p.Ser779Pro (NM_016434.4); c.2407T>C, p.Ser803Pro (NM_032957.5); short protein forms S556P, S779P, S803P.
Identifiers: ClinVar variation 4629506 (VCV004629506.1).
Genomic context (GRCh38, chr20:63,690,363, plus strand): 5'-CCGGCCCCCCGGGCTACAGCACCCAGTGTGCGTGGAGAAGATGCTGTCAGCGAGGCCAAG[T>C]CGCCTGGCCCCTTCTTCTCCACCAGGAAAGCTAAGAGTCTGGACCTGCATGTCCCCAGCC-3'
Protein context (NP_001269938.1, residues 769-789): RGEDAVSEAK[Ser779Pro]PGPFFSTRKA

ClinVar aggregate classification (germline): Uncertain significance (1 of 4 stars; one submission).

Conditions:
Inborn genetic diseases. Identifiers: MedGen C0950123, MeSH D030342.

Submission:

Ambry Genetics
Classification: Uncertain significance for Inborn genetic diseases. Last evaluated: 2025-09-19. Review status: criteria provided, single submitter. Criteria: Ambry Variant Classification Scheme 2023. Collection method: clinical testing. Allele origin: germline.
Comment: The p.S779P variant (also known as c.2335T>C), located in coding exon 25 of the RTEL1 gene, results from a T to C substitution at nucleotide position 2335. The serine at codon 779 is replaced by proline, an amino acid with similar properties. This amino acid position is conserved. In addition, this alteration is predicted to be tolerated by in silico analysis. Based on the available evidence, the clinical significance of this variant remains unclear.